The following is an entry in ClinVar:

ClinVar aggregate classification (germline): Uncertain significance. Review status: criteria provided, multiple submitters, no conflicts (2 of 4 stars). 2 submissions from 2 submitters: Uncertain significance (2). Last evaluated 2025-04-25.

Allele frequency attached by ClinVar (database versions not stated): gnomAD exomes below 0.00001; TOPMed 0.00001.
gnomAD v4.1: 5 of 1,570,698 alleles (0.00032%); highest among the groups gnomAD compares: Non-Finnish European, 0.00043%; no homozygotes.

Submissions (2):

Ambry Genetics
Classification: Uncertain significance. Last evaluated: 2025-04-25. Review status: criteria provided, single submitter. Criteria: Ambry Variant Classification Scheme 2023. Collection method: clinical testing. Allele origin: germline.

Labcorp Genetics (formerly Invitae), Labcorp
Classification: Uncertain significance. Last evaluated: 2023-09-24. Review status: criteria provided, single submitter. Criteria: Invitae Variant Classification Sherloc (09022015). Collection method: clinical testing. Allele origin: germline.
Comment: This variant has not been reported in the literature in individuals affected with CLUAP1-related conditions. In summary, the available evidence is currently insufficient to determine the role of this variant in disease. Therefore, it has been classified as a Variant of Uncertain Significance. An algorithm developed to predict the effect of missense changes on protein structure and function (PolyPhen-2) suggests that this variant is likely to be disruptive. This variant is not present in population databases (gnomAD no frequency). This sequence change replaces lysine, which is basic and polar, with glutamic acid, which is acidic and polar, at codon 133 of the CLUAP1 protein (p.Lys133Glu).

NM_015041.3(CLUAP1):c.397A>G (p.Lys133Glu)

Gene: CLUAP1 (clusterin associated protein 1; plus strand). Cytogenetic location: 16p13.3.
Variant type: single nucleotide variant.
Coding change: c.397A>G on transcript NM_015041.3 (MANE Select); coding-DNA position 397, A replaced by G.
Protein change: p.Lys133Glu; replaces lysine 133 with glutamic acid.
Molecular consequence: missense variant.
Genome position (GRCh38, 1-based): chr16:3,508,466, A>G. VCF-style: chr16-3508466-A-G. GRCh37 (hg19) VCF-style: chr16-3558466-A-G.
Other names: c.397A>G, p.Lys133Glu (NM_001330454.2); c.397A>G (NM_015041.1); short protein forms K133E.
Identifiers: ClinVar variation 2795008 (VCV002795008.4), dbSNP rs2037552717, ClinGen allele CA394512504.